The following is an entry in ClinVar:

NM_020549.5(CHAT):c.1385C>T (p.Thr462Met)

Gene: CHAT (choline O-acetyltransferase; plus strand). Cytogenetic location: 10q11.23.
Variant type: single nucleotide variant.
Coding change: c.1385C>T on transcript NM_020549.5 (MANE Select); coding-DNA position 1385, C replaced by T.
Protein change: p.Thr462Met; replaces threonine 462 with methionine.
Molecular consequence: missense variant.
Genome position (GRCh38, 1-based): chr10:49,649,510, C>T. VCF-style: chr10-49649510-C-T. GRCh37 (hg19) VCF-style: chr10-50857556-C-T.
Other names: c.1031C>T, p.Thr344Met (NM_001142929.2, NM_001142934.2, NM_020984.4 and 2 more transcripts); c.1139C>T, p.Thr380Met (NM_001142933.2); short protein forms T344M, T462M, T380M.
Identifiers: ClinVar variation 642070 (VCV000642070.9), dbSNP rs538478136, ClinGen allele CA5497485.

ClinVar aggregate classification (germline): Conflicting classifications of pathogenicity. Review status: criteria provided, conflicting classifications (1 of 4 stars). 3 submissions from 3 submitters: Uncertain significance (2); Likely benign (1). Last evaluated 2022-07-18.

Conditions:
Inborn genetic diseases. Identifiers: MedGen C0950123, MeSH D030342.
Familial infantile myasthenia (CMS6). Also called: MYASTHENIC SYNDROME, CONGENITAL, 6, PRESYNAPTIC; MYASTHENIC SYNDROME, PRESYNAPTIC, CONGENITAL, ASSOCIATED WITH EPISODIC APNEA; Congenital myasthenic syndrome type 6. Identifiers: Orphanet 590, MedGen C0393929, MONDO:0009689, OMIM 254210.

Allele frequency attached by ClinVar (database versions not stated): ExAC 0.00008; gnomAD 0.00010 and 0.00011; gnomAD exomes 0.00012; TOPMed 0.00012; 1000 Genomes Project 30x 0.00016; 1000 Genomes Project 0.00020.
gnomAD v4.1: 128 of 1,613,792 alleles (0.0079%); highest among the groups gnomAD compares: Middle Eastern, 0.033%; no homozygotes.

Submissions (3):

Labcorp Genetics (formerly Invitae), Labcorp
Classification: Uncertain significance for Familial infantile myasthenia. Last evaluated: 2022-07-18. Review status: criteria provided, single submitter. Criteria: Invitae Variant Classification Sherloc (09022015). Collection method: clinical testing. Allele origin: germline.
Comment: This sequence change replaces threonine, which is neutral and polar, with methionine, which is neutral and non-polar, at codon 462 of the CHAT protein (p.Thr462Met). This variant is present in population databases (rs538478136, gnomAD 0.2%). This variant has not been reported in the literature in individuals affected with CHAT-related conditions. ClinVar contains an entry for this variant (Variation ID: 642070). Algorithms developed to predict the effect of missense changes on protein structure and function output the following: SIFT: "Tolerated"; PolyPhen-2: "Benign"; Align-GVGD: "Class C0". The methionine amino acid residue is found in multiple mammalian species, which suggests that this missense change does not adversely affect protein function. In summary, the available evidence is currently insufficient to determine the role of this variant in disease. Therefore, it has been classified as a Variant of Uncertain Significance.

Ambry Genetics
Classification: Likely benign for Inborn genetic diseases. Last evaluated: 2022-05-26. Review status: criteria provided, single submitter. Criteria: Ambry Variant Classification Scheme 2023. Collection method: clinical testing. Allele origin: germline.

Revvity Omics, Revvity
Classification: Uncertain significance for Familial infantile myasthenia. Last evaluated: 2019-01-07. Review status: criteria provided, single submitter. Criteria: ACMG Guidelines, 2015. Collection method: clinical testing. Allele origin: germline.